The following is an entry in ClinVar:

NM_015274.3(MAN2B2):c.887C>T (p.Ser296Leu)

Gene: MAN2B2 (mannosidase alpha class 2B member 2; plus strand). Cytogenetic location: 4p16.1.
Variant type: single nucleotide variant.
Coding change: c.887C>T on transcript NM_015274.3 (MANE Select); coding-DNA position 887, C replaced by T.
Protein change: p.Ser296Leu; replaces serine 296 with leucine.
Molecular consequence: missense variant. On other transcripts: intron variant (1).
Genome position (GRCh38, 1-based): chr4:6,594,562, C>T. VCF-style: chr4-6594562-C-T. GRCh37 (hg19) VCF-style: chr4-6596289-C-T.
Other names: c.793-59C>T (NM_001292038.2); c.887C>T (NM_015274.1); short protein forms S296L.
Identifiers: ClinVar variation 2571200 (VCV002571200.27), dbSNP rs370689615, ClinGen allele CA2840740.

ClinVar aggregate classification (germline): Uncertain significance. Review status: criteria provided, multiple submitters, no conflicts (2 of 4 stars). 2 submissions from 2 submitters: Uncertain significance (2). Last evaluated 2025-12-15.

Allele frequency attached by ClinVar (database versions not stated): gnomAD exomes 0.00001; gnomAD 0.00002; TOPMed 0.00002; ExAC 0.00003.
gnomAD v4.1: 17 of 1,613,600 alleles (0.0011%); highest among the groups gnomAD compares: African/African-American, 0.0013%; no homozygotes.

Submissions (2):

Ambry Genetics
Classification: Uncertain significance. Last evaluated: 2025-12-15. Review status: criteria provided, single submitter. Criteria: Ambry Variant Classification Scheme 2023. Collection method: clinical testing. Allele origin: germline.

CeGaT Center for Human Genetics Tuebingen
Classification: Uncertain significance. Last evaluated: 2023-06-01. Review status: criteria provided, single submitter. Criteria: CeGaT Center For Human Genetics Tuebingen Variant Classification Criteria Version 2. Collection method: clinical testing. Allele origin: germline. Affected: yes. Observed: 1 variant allele.
Comment: MAN2B2: PM2